The following is an entry in ClinVar:

NM_001164496.2(CFAP44):c.4860G>A (p.Pro1620=)

Genes: CFAP44 (cilia and flagella associated protein 44; minus strand), SPICE1-CFAP44 (SPICE1-CFAP44 readthrough (NMD candidate); minus strand). Cytogenetic location: 3q13.2.
Variant type: single nucleotide variant.
Coding change: c.4860G>A on transcript NM_001164496.2 (MANE Select); coding-DNA position 4860, G replaced by A.
Protein change: p.Pro1620=; no amino-acid change (proline 1620 retained).
Molecular consequence: synonymous variant. On other transcripts: non-coding transcript variant (6).
Genome position (GRCh38, 1-based): chr3:113,305,051, C>T on the plus strand (G>A on the coding strand, the complement: CFAP44 is on the minus strand). VCF-style: chr3-113305051-C-T. GRCh37 (hg19) VCF-style: chr3-113023898-C-T.
Identifiers: ClinVar variation 2654040 (VCV002654040.22), dbSNP rs62001862, ClinGen allele CA2543611.

ClinVar aggregate classification (germline): Likely benign (1 of 4 stars; one submission).

Allele frequency attached by ClinVar (database versions not stated): gnomAD 0.00199; TOPMed 0.00249; ESP Exome Variant Server 0.00329; 1000 Genomes Project 0.00080; ExAC 0.00097; 1000 Genomes Project 30x 0.00125.
gnomAD v4.1: 639 of 1,537,186 alleles (0.042%); highest among the groups gnomAD compares: African/African-American, 0.68%; no homozygotes.

Submission:

CeGaT Center for Human Genetics Tuebingen
Classification: Likely benign. Last evaluated: 2022-08-01. Review status: criteria provided, single submitter. Criteria: CeGaT Center For Human Genetics Tuebingen Variant Classification Criteria Version 2. Collection method: clinical testing. Allele origin: germline. Affected: yes. Observed: 2 variant alleles.
Comment: CFAP44: BP4, BP7